The following is an entry in ClinVar:

ClinVar aggregate classification (germline): Uncertain significance (1 of 4 stars; one submission).

Conditions:
Familial thoracic aortic aneurysm and aortic dissection (TAAD). Also called: Thoracic aortic aneurysms and dissections. Identifiers: Orphanet 91387, MedGen C4707243, MONDO:0019625.

Submission:

Ambry Genetics
Classification: Uncertain significance for Familial thoracic aortic aneurysm and aortic dissection. Last evaluated: 2026-08-10. Review status: criteria provided, single submitter. Criteria: Ambry Variant Classification Scheme 2023. Collection method: clinical testing. Allele origin: germline.
Comment: The p.S249P variant (also known as c.745T>C), located in coding exon 5 of the MYLK gene, results from a T to C substitution at nucleotide position 745. The serine at codon 249 is replaced by proline, an amino acid with similar properties. This amino acid position is conserved. In addition, this alteration is predicted to be tolerated by in silico analysis. Based on the available evidence, the clinical significance of this variant remains unclear.

NM_053025.4(MYLK):c.745T>C (p.Ser249Pro)

Gene: MYLK (myosin light chain kinase; minus strand). Cytogenetic location: 3q21.1.
Variant type: single nucleotide variant.
Coding change: c.745T>C on transcript NM_053025.4 (MANE Select); coding-DNA position 745, T replaced by C.
Protein change: p.Ser249Pro; replaces serine 249 with proline.
Molecular consequence: missense variant.
Genome position (GRCh38, 1-based): chr3:123,737,387, A>G on the plus strand (T>C on the coding strand, the complement: MYLK is on the minus strand). VCF-style: chr3-123737387-A-G. GRCh37 (hg19) VCF-style: chr3-123456234-A-G.
Other names: c.217T>C, p.Ser73Pro (NM_001321309.2); c.745T>C, p.Ser249Pro (NM_053026.4, NM_053027.4, NM_053028.4); short protein forms S249P, S73P.
Identifiers: ClinVar variation 5025208 (VCV005025208.1).